The following is an entry in ClinVar:

ClinVar aggregate classification (germline): Conflicting classifications of pathogenicity. Review status: criteria provided, conflicting classifications (1 of 4 stars). 2 submissions from 2 submitters: Likely pathogenic (1); Uncertain significance (1). Last evaluated 2026-08-20.

Conditions:
Autosomal recessive nonsyndromic hearing loss 12. Also called: DEAFNESS, AUTOSOMAL RECESSIVE 12. Identifiers: Orphanet 90636, MedGen C1832394, MONDO:0011067, OMIM 601386.
CDH23-related disorder. Also called: CDH23-related condition; CDH23-related disorders.

Allele frequency attached by ClinVar (database versions not stated): gnomAD exomes 0.00001.
gnomAD v4.1: 12 of 1,600,808 alleles (0.00075%); highest among the groups gnomAD compares: Non-Finnish European, 0.00094%; no homozygotes.

Submissions (2):

PreventionGenetics, part of Exact Sciences
Classification: Uncertain significance for CDH23-related condition. Last evaluated: 2026-08-20. Review status: criteria provided, single submitter. Criteria: ACMG Guidelines, 2015. Collection method: clinical testing. Allele origin: germline.
Comment: The CDH23 c.7826C>T variant is predicted to result in the amino acid substitution p.Pro2609Leu. This variant has not been reported in a large population database (gnomAD), indicating this variant is rare. At this time, the clinical significance of this variant is uncertain due to the absence of conclusive functional and genetic evidence.

King Laboratory, University of Washington
Classification: Likely pathogenic for Autosomal recessive nonsyndromic hearing loss 12. Last evaluated: 2023-02-28. Review status: criteria provided, single submitter. Criteria: Li et al. (Genet Med. 2022). Collection method: research. Allele origin: unknown. Affected: yes.
Comment: This variant occurred in compound heterozygosity with a CDH23 missense variant in a patient with bilateral sensorineural hearing loss of onset <18 years, in a study of pediatric hearing loss conducted by the King Laboratory (Carlson RJ et al. JAMA-OtoHNS 2023). This variant is a missense at a completely conserved site in a cadherin domain of the CDH23 protein and is predicted to be damaging by multiple in-silico tools. As of January 2023, this variant has not been reported to ClinVar and is not found on gnomAD. Based on consistently predicted functional effect and goodness of fit of genotype to phenotype, we conclude that this variant is likely pathogenic.

Literature cited by the submitters: PubMed 36633841 (cited by King Laboratory, University of Washington).

NM_022124.6(CDH23):c.7826C>T (p.Pro2609Leu)

Gene: CDH23 (cadherin related 23; plus strand). Cytogenetic location: 10q22.1.
Variant type: single nucleotide variant.
Coding change: c.7826C>T on transcript NM_022124.6 (MANE Select); coding-DNA position 7826, C replaced by T.
Protein change: p.Pro2609Leu; replaces proline 2609 with leucine.
Molecular consequence: missense variant.
Genome position (GRCh38, 1-based): chr10:71,803,374, C>T. VCF-style: chr10-71803374-C-T. GRCh37 (hg19) VCF-style: chr10-73563131-C-T.
Other names: c.1106C>T, p.Pro369Leu (NM_001171933.1, NM_001171934.1); c.7826C>T (NM_022124.5); short protein forms P2609L, P369L.
Identifiers: ClinVar variation 2445641 (VCV002445641.2), dbSNP rs1260523958, ClinGen allele CA377161571.